The following is an entry in ClinVar:

ClinVar aggregate classification (germline): Uncertain significance (1 of 4 stars; one submission).

Conditions:
Emery-Dreifuss muscular dystrophy 5, autosomal dominant (EDMD5). Also called: EMERY-DREIFUSS MUSCULAR DYSTROPHY 5. Identifiers: Orphanet 261, MedGen C2751805, MONDO:0013072, OMIM 612999.

Allele frequency attached by ClinVar (database versions not stated): gnomAD exomes below 0.00001; TOPMed below 0.00001; ExAC 0.00001.

Submission:

Labcorp Genetics (formerly Invitae), Labcorp
Classification: Uncertain significance for Emery-Dreifuss muscular dystrophy 5, autosomal dominant. Last evaluated: 2022-06-09. Review status: criteria provided, single submitter. Criteria: Invitae Variant Classification Sherloc (09022015). Collection method: clinical testing. Allele origin: germline.
Comment: This variant is present in population databases (rs774783601, gnomAD 0.0009%). This sequence change replaces alanine, which is neutral and non-polar, with valine, which is neutral and non-polar, at codon 814 of the SYNE2 protein (p.Ala814Val). This variant has not been reported in the literature in individuals affected with SYNE2-related conditions. In summary, the available evidence is currently insufficient to determine the role of this variant in disease. Therefore, it has been classified as a Variant of Uncertain Significance. Algorithms developed to predict the effect of sequence changes on RNA splicing suggest that this variant may disrupt the consensus splice site. Algorithms developed to predict the effect of missense changes on protein structure and function are either unavailable or do not agree on the potential impact of this missense change (SIFT: "Tolerated"; PolyPhen-2: "Possibly Damaging"; Align-GVGD: "Class C0").

NM_182914.3(SYNE2):c.2441C>T (p.Ala814Val)

Gene: SYNE2 (spectrin repeat containing nuclear envelope protein 2; plus strand). Cytogenetic location: 14q23.2.
Variant type: single nucleotide variant.
Coding change: c.2441C>T on transcript NM_182914.3 (MANE Select); coding-DNA position 2441, C replaced by T.
Protein change: p.Ala814Val; replaces alanine 814 with valine.
Molecular consequence: missense variant.
Genome position (GRCh38, 1-based): chr14:63,990,538, C>T. VCF-style: chr14-63990538-C-T. GRCh37 (hg19) VCF-style: chr14-64457256-C-T.
Other names: c.2441C>T, p.Ala814Val (NM_015180.6); short protein forms A814V.
Identifiers: ClinVar variation 2201848 (VCV002201848.4), dbSNP rs774783601, ClinGen allele CA7219686.
Genomic context (GRCh38, chr14:63,990,538, plus strand): 5'-ATATACAAAATATTTCAAGCCAGGAGTCCTTTCAACATGTTCTCACAACTGGGCTTCAGG[C>T]AAAGATTCAAGAAGCTAAAGAGAAAGTCCAGGTCTCTCTTTAATATTCCCTATTTAGTAA-3'
Protein context (NP_878918.2, residues 804-824): FQHVLTTGLQ[Ala814Val]KIQEAKEKVQ